The following is an entry in ClinVar:

NM_001035.3(RYR2):c.14122T>G (p.Trp4708Gly)

Gene: RYR2 (ryanodine receptor 2; plus strand). Cytogenetic location: 1q43.
Variant type: single nucleotide variant.
Coding change: c.14122T>G on transcript NM_001035.3 (MANE Select); coding-DNA position 14122, T replaced by G.
Protein change: p.Trp4708Gly; replaces tryptophan 4708 with glycine.
Molecular consequence: missense variant.
Genome position (GRCh38, 1-based): chr1:237,801,887, T>G. VCF-style: chr1-237801887-T-G. GRCh37 (hg19) VCF-style: chr1-237965187-T-G.
Other names: short protein forms W4708G.
Identifiers: ClinVar variation 43738 (VCV000043738.10), dbSNP rs397516513, ClinGen allele CA008151.

ClinVar aggregate classification (germline): Uncertain significance. Review status: criteria provided, multiple submitters, no conflicts (2 of 4 stars). 3 submissions from 3 submitters: Uncertain significance (2). 1 of the submissions does not count toward it. Last evaluated 2023-06-05.

Conditions:
Catecholaminergic polymorphic ventricular tachycardia 1. Also called: VENTRICULAR TACHYCARDIA, STRESS-INDUCED POLYMORPHIC 1; VENTRICULAR TACHYCARDIA, CATECHOLAMINERGIC POLYMORPHIC, 1, WITH OR WITHOUT ATRIAL DYSFUNCTION AND/OR DILATED CARDIOMYOPATHY; RYR2-Related Catecholaminergic Polymorphic Ventricular Tachycardia. Identifiers: Orphanet 3286, MedGen C1631597, MONDO:0011484, OMIM 604772.
Catecholaminergic polymorphic ventricular tachycardia (CVPT). Also called: Catecholamine-induced polymorphic ventricular tachycardia. Identifiers: Orphanet 3286, MedGen C5574922, MONDO:0017990.

Submissions (3):

Labcorp Genetics (formerly Invitae), Labcorp
Classification: Uncertain significance for Catecholaminergic polymorphic ventricular tachycardia 1. Last evaluated: 2023-06-05. Review status: criteria provided, single submitter. Criteria: Invitae Variant Classification Sherloc (09022015). Collection method: clinical testing. Allele origin: germline.
Comment: In summary, the available evidence is currently insufficient to determine the role of this variant in disease. Therefore, it has been classified as a Variant of Uncertain Significance. Advanced modeling of protein sequence and biophysical properties (such as structural, functional, and spatial information, amino acid conservation, physicochemical variation, residue mobility, and thermodynamic stability) performed at Invitae indicates that this missense variant is expected to disrupt RYR2 protein function. ClinVar contains an entry for this variant (Variation ID: 43738). This variant has not been reported in the literature in individuals affected with RYR2-related conditions. This variant is not present in population databases (gnomAD no frequency). This sequence change replaces tryptophan, which is neutral and slightly polar, with glycine, which is neutral and non-polar, at codon 4708 of the RYR2 protein (p.Trp4708Gly).

Laboratory for Molecular Medicine, Mass General Brigham Personalized Medicine
Classification: Uncertain significance. Last evaluated: 2012-01-20. Review status: criteria provided, single submitter. Criteria: LMM Criteria. Collection method: clinical testing. Allele origin: germline. Observed: 1 variant allele.
Comment: The Trp4708Gly variant has not been reported in the literature nor previously id entified by our laboratory. Tryptophan (Trp) at this position is conserved acro ss evolutionarily distant species and computational analyses (biochemical amino acid properties, homology, PolyPhen2, SIFT, AlignGVGD) suggest that the Trp4708G ly variant may impact the protein. However, this information is not predictive e nough to assume pathogenicity. In the absence of additional information, the cli nical significance of this variant cannot be determined at this time.

Agnes Ginges Centre for Molecular Cardiology, Centenary Institute
Classification: Uncertain significance for Catecholaminergic polymorphic ventricular tachycardia. Last evaluated: 2019-04-30. Review status: no assertion criteria provided. Collection method: research. Allele origin: germline. Inheritance: Autosomal dominant inheritance. Affected: yes. Not counted in ClinVar's aggregate classification.
Comment: This variant has been identified as part of our research program. For further information please feel free to contact us.